The following is an entry in ClinVar:

NM_004525.3(LRP2):c.3286A>G (p.Ser1096Gly)

Gene: LRP2 (LDL receptor related protein 2; minus strand). Cytogenetic location: 2q31.1.
Variant type: single nucleotide variant.
Coding change: c.3286A>G on transcript NM_004525.3 (MANE Select); coding-DNA position 3286, A replaced by G.
Protein change: p.Ser1096Gly; replaces serine 1096 with glycine.
Molecular consequence: missense variant.
Genome position (GRCh38, 1-based): chr2:169,244,837, T>C on the plus strand (A>G on the coding strand, the complement: LRP2 is on the minus strand). VCF-style: chr2-169244837-T-C. GRCh37 (hg19) VCF-style: chr2-170101347-T-C.
Other names: short protein forms S1096G.
Identifiers: ClinVar variation 1959890 (VCV001959890.3), dbSNP rs377247671, ClinGen allele CA1955068.

ClinVar aggregate classification (germline): Uncertain significance. Review status: criteria provided, multiple submitters, no conflicts (2 of 4 stars). 2 submissions from 2 submitters: Uncertain significance (2). Last evaluated 2024-05-14.

Conditions:
Donnai-Barrow syndrome. Also called: DBS/FOAR SYNDROME; FACIOOCULOACOUSTICORENAL SYNDROME. Identifiers: Orphanet 2143, MedGen C1857277, MONDO:0009104, OMIM 222448.

Allele frequency attached by ClinVar (database versions not stated): ExAC 0.00001; gnomAD 0.00002; TOPMed 0.00002; ESP Exome Variant Server 0.00008.
gnomAD v4.1: 3 of 1,614,134 alleles (0.00019%); highest among the groups gnomAD compares: African/African-American, 0.004%; no homozygotes.

Submissions (2):

Fulgent Genetics
Classification: Uncertain significance for Donnai-Barrow syndrome. Last evaluated: 2024-05-14. Review status: criteria provided, single submitter. Criteria: ACMG Guidelines, 2015. Collection method: clinical testing. Allele origin: germline.

Labcorp Genetics (formerly Invitae), Labcorp
Classification: Uncertain significance. Last evaluated: 2022-04-01. Review status: criteria provided, single submitter. Criteria: Invitae Variant Classification Sherloc (09022015). Collection method: clinical testing. Allele origin: germline.
Comment: This sequence change replaces serine, which is neutral and polar, with glycine, which is neutral and non-polar, at codon 1096 of the LRP2 protein (p.Ser1096Gly). This variant is present in population databases (rs377247671, gnomAD 0.008%). This variant has not been reported in the literature in individuals affected with LRP2-related conditions. Advanced modeling of protein sequence and biophysical properties (such as structural, functional, and spatial information, amino acid conservation, physicochemical variation, residue mobility, and thermodynamic stability) performed at Invitae indicates that this missense variant is expected to disrupt LRP2 protein function. In summary, the available evidence is currently insufficient to determine the role of this variant in disease. Therefore, it has been classified as a Variant of Uncertain Significance.